The following is an entry in ClinVar:

ClinVar aggregate classification (germline): Uncertain significance (1 of 4 stars; one submission).

Conditions:
Alstrom syndrome (ALMS). Identifiers: Orphanet 64, MedGen C0268425, MONDO:0008763, OMIM 203800.

Submission:

Labcorp Genetics (formerly Invitae), Labcorp
Classification: Uncertain significance for Alstrom syndrome. Last evaluated: 2023-12-22. Review status: criteria provided, single submitter. Criteria: Invitae Variant Classification Sherloc (09022015). Collection method: clinical testing. Allele origin: germline.
Comment: This variant, c.4576_4719del, results in the deletion of 48 amino acid(s) of the ALMS1 protein (p.Gln1526_Ser1573del), but otherwise preserves the integrity of the reading frame. This variant is not present in population databases (gnomAD no frequency). This variant has not been reported in the literature in individuals affected with ALMS1-related conditions. ClinVar contains an entry for this variant (Variation ID: 2081470). Experimental studies and prediction algorithms are not available or were not evaluated, and the functional significance of this variant is currently unknown. In summary, the available evidence is currently insufficient to determine the role of this variant in disease. Therefore, it has been classified as a Variant of Uncertain Significance.

NM_001378454.1(ALMS1):c.4573_4716del (p.Gln1525_Ser1572del)

Gene: ALMS1 (ALMS1 centrosome and basal body associated protein; plus strand). Cytogenetic location: 2p13.1.
Variant type: Deletion.
Coding change: c.4573_4716del on transcript NM_001378454.1 (MANE Select); coding-DNA positions 4573 to 4716, 144 bases deleted.
Protein change: p.Gln1525_Ser1572del.
Molecular consequence: inframe deletion.
Genome position (GRCh38, 1-based): chr2:73,451,100-73,451,243, 144 bases deleted. GRCh37 (hg19): chr2:73,678,227-73,678,370.
Other names: c.4576_4719del, p.Gln1526_Ser1573del (NM_015120.4).
Identifiers: ClinVar variation 2081470 (VCV002081470.4), dbSNP rs2466102069, ClinGen allele CA2580067966.